The following is an entry in ClinVar:

ClinVar aggregate classification (germline): Benign/Likely benign. Review status: criteria provided, multiple submitters, no conflicts (2 of 4 stars). 8 submissions from 6 submitters: Benign (1); Likely benign (6). 1 of the submissions does not count toward it. Last evaluated 2026-01-15.

Conditions:
SCNN1B-related disorder. Also called: SCNN1B-related condition.
Pseudohypoaldosteronism, type IB1, autosomal recessive. Also called: Pseudohypoaldosteronism, Type I, Autosomal Recessive; Pseudohypoaldosteronism, Type I, Recessive; PHA I, AUTOSOMAL RECESSIVE; Autosomal recessive pseudohypoaldosteronism type 1. Identifiers: Orphanet 171876, Orphanet 756, MedGen C5774176, MONDO:0009917, OMIM 264350.
Liddle syndrome 1 (LIDLS1). Also called: PSEUDOALDOSTERONISM. Identifiers: Orphanet 526, MedGen CN031472, MONDO:0020607, OMIM 177200.
Bronchiectasis with or without elevated sweat chloride 1 (BESC1). Also called: Cystic Fibrosis-Like Syndrome. Identifiers: Orphanet 60033, MedGen C2749757, MONDO:0008887, OMIM 211400.

Allele frequency attached by ClinVar (database versions not stated): gnomAD 0.00180 and 0.00178; gnomAD exomes 0.00189 and 0.00264; ExAC 0.00201; 1000 Genomes Project 30x 0.00062; 1000 Genomes Project 0.00080; TOPMed 0.00134; ESP Exome Variant Server 0.00169.
gnomAD v4.1: 4,086 of 1,613,440 alleles (0.25%); highest among the groups gnomAD compares: Non-Finnish European, 0.29%; 9 homozygotes.

Submissions (8):

Labcorp Genetics (formerly Invitae), Labcorp
Classification: Benign. Last evaluated: 2026-01-15. Review status: criteria provided, single submitter. Criteria: Invitae Variant Classification Sherloc (09022015). Collection method: clinical testing. Allele origin: germline.

Blueprint Genetics
Classification: Likely benign. Last evaluated: 2024-11-06. Review status: criteria provided, single submitter. Criteria: ACMG Guidelines, 2015. Collection method: clinical testing. Allele origin: germline.

Fulgent Genetics
Classification: Likely benign for Liddle syndrome 1; Bronchiectasis with or without elevated sweat chloride 1; Pseudohypoaldosteronism, type IB1, autosomal recessive. Last evaluated: 2021-11-12. Review status: criteria provided, single submitter. Criteria: ACMG Guidelines, 2015. Collection method: clinical testing. Allele origin: unknown.

Illumina Laboratory Services, Illumina
Classification: Likely benign for Liddle syndrome 1. Last evaluated: 2017-04-27. Review status: criteria provided, single submitter. Criteria: ICSL Variant Classification Criteria 13 December 2019. Collection method: clinical testing. Allele origin: germline.
Comment: This variant was observed as part of a predisposition screen in an ostensibly healthy population. A literature search was performed for the gene, cDNA change, and amino acid change (where applicable). Publications were found based on this search. The evidence from the literature, in combination with allele frequency data from public databases where available, was sufficient to determine this variant is unlikely to cause disease. Therefore, this variant is classified as likely benign.

Illumina Laboratory Services, Illumina
Classification: Likely benign for Bronchiectasis with or without elevated sweat chloride 1. Last evaluated: 2017-04-27. Review status: criteria provided, single submitter. Criteria: ICSL Variant Classification Criteria 13 December 2019. Collection method: clinical testing. Allele origin: germline.
Comment: the same text as in the submission from Illumina Laboratory Services, Illumina above.

Illumina Laboratory Services, Illumina
Classification: Likely benign for Pseudohypoaldosteronism, type IB1, autosomal recessive. Last evaluated: 2017-04-27. Review status: criteria provided, single submitter. Criteria: ICSL Variant Classification Criteria 13 December 2019. Collection method: clinical testing. Allele origin: germline.
Comment: the same text as in the submission from Illumina Laboratory Services, Illumina above.

Laboratory for Molecular Medicine, Mass General Brigham Personalized Medicine
Classification: Likely benign. Last evaluated: 2014-07-01. Review status: criteria provided, single submitter. Criteria: LMM Criteria. Collection method: clinical testing. Allele origin: germline. Observed: 1 variant allele.
Comment: Gly589Ser in exon 13 of SCNN1B: This variant is not expected to have clinical si gnificance due to a lack of evolutionary conservation of the affected amino acid . Of note, 10 mammals carry a serine (Ser) at this position. Additionally, this variant has been identified in 19/8596 European American chromosomes and 3/4392 African American chromosomes by the NHLBI Exome Sequencing Project (.; dbSNP rs61759926).

PreventionGenetics, part of Exact Sciences
Classification: Likely benign for SCNN1B-related condition. Last evaluated: 2023-05-24. Review status: no assertion criteria provided. Collection method: clinical testing. Allele origin: germline. Not counted in ClinVar's aggregate classification.
Comment: This variant is classified as likely benign based on ACMG/AMP sequence variant interpretation guidelines (Richards et al. 2015 PMID: 25741868, with internal and published modifications).

Literature cited by the submitters: PubMed 19462466 (cited by Illumina Laboratory Services, Illumina); PubMed 9576123 (cited by Illumina Laboratory Services, Illumina); PubMed 9674649 (cited by Illumina Laboratory Services, Illumina and Laboratory for Molecular Medicine, Mass General Brigham Personalized Medicine); PubMed 15661075 (cited by Illumina Laboratory Services, Illumina and Laboratory for Molecular Medicine, Mass General Brigham Personalized Medicine).

NM_000336.3(SCNN1B):c.1765G>A (p.Gly589Ser)

Gene: SCNN1B (sodium channel epithelial 1 subunit beta; plus strand). Cytogenetic location: 16p12.2.
Variant type: single nucleotide variant.
Coding change: c.1765G>A on transcript NM_000336.3 (MANE Select); coding-DNA position 1765, G replaced by A.
Protein change: p.Gly589Ser; replaces glycine 589 with serine.
Molecular consequence: missense variant.
Genome position (GRCh38, 1-based): chr16:23,380,643, G>A. VCF-style: chr16-23380643-G-A. GRCh37 (hg19) VCF-style: chr16-23391964-G-A.
Other names: short protein forms G589S.
Identifiers: ClinVar variation 165171 (VCV000165171.21), dbSNP rs61759926, ClinGen allele CA177884.